The following is an entry in ClinVar:

ClinVar aggregate classification (germline): Uncertain significance. Review status: criteria provided, multiple submitters, no conflicts (2 of 4 stars). 2 submissions from 2 submitters: Uncertain significance (2). Last evaluated 2026-07-23.

Conditions:
Hereditary cancer-predisposing syndrome. Also called: Hereditary Cancer Syndrome; Tumor predisposition; Neoplastic Syndromes, Hereditary; Hereditary neoplastic syndrome. Identifiers: Orphanet 140162, MedGen C0027672, MeSH D009386, MONDO:0015356.
Hereditary nonpolyposis colorectal neoplasms. Identifiers: MedGen C0009405, MeSH D003123.

Submissions (2):

Ambry Genetics
Classification: Uncertain significance for Hereditary cancer-predisposing syndrome. Last evaluated: 2026-07-23. Review status: criteria provided, single submitter. Criteria: Ambry Variant Classification Scheme 2023. Collection method: clinical testing. Allele origin: germline.
Comment: The p.R169L variant (also known as c.506G>T), located in coding exon 5 of the PMS2 gene, results from a G to T substitution at nucleotide position 506. The arginine at codon 169 is replaced by leucine, an amino acid with dissimilar properties. This amino acid position is highly conserved in available vertebrate species. In addition, this alteration is predicted to be deleterious by in silico analysis. Based on the available evidence, the clinical significance of this variant remains unclear.

Labcorp Genetics (formerly Invitae), Labcorp
Classification: Uncertain significance for Hereditary nonpolyposis colorectal neoplasms. Last evaluated: 2023-12-07. Review status: criteria provided, single submitter. Criteria: Invitae Variant Classification Sherloc (09022015). Collection method: clinical testing. Allele origin: germline.
Comment: This sequence change replaces arginine, which is basic and polar, with leucine, which is neutral and non-polar, at codon 169 of the PMS2 protein (p.Arg169Leu). This variant is not present in population databases (gnomAD no frequency). This missense change has been observed in individual(s) with glioblastoma and/or glioma (Invitae). ClinVar contains an entry for this variant (Variation ID: 1487155). Advanced modeling of protein sequence and biophysical properties (such as structural, functional, and spatial information, amino acid conservation, physicochemical variation, residue mobility, and thermodynamic stability) performed at Invitae indicates that this missense variant is expected to disrupt PMS2 protein function with a positive predictive value of 80%. In summary, the available evidence is currently insufficient to determine the role of this variant in disease. Therefore, it has been classified as a Variant of Uncertain Significance.

NM_000535.7(PMS2):c.506G>T (p.Arg169Leu)

Gene: PMS2 (PMS1 homolog 2, mismatch repair system component; minus strand). Cytogenetic location: 7p22.1.
Variant type: single nucleotide variant.
Coding change: c.506G>T on transcript NM_000535.7 (MANE Select); coding-DNA position 506, G replaced by T.
Protein change: p.Arg169Leu; replaces arginine 169 with leucine.
Molecular consequence: missense variant. On other transcripts: 5 prime UTR variant (2), non-coding transcript variant (1).
Genome position (GRCh38, 1-based): chr7:6,002,484, C>A on the plus strand (G>T on the coding strand, the complement: PMS2 is on the minus strand). VCF-style: chr7-6002484-C-A. GRCh37 (hg19) VCF-style: chr7-6042115-C-A.
Other names: c.101G>T, p.Arg34Leu (NM_001322003.2, NM_001322004.2, NM_001322005.2 and 3 more transcripts); c.506G>T, p.Arg169Leu (NM_001322006.2, NM_001322014.2); c.188G>T, p.Arg63Leu (NM_001322007.2, NM_001322008.2); c.-379G>T (NM_001322011.2, NM_001322012.2); c.197G>T, p.Arg66Leu (NM_001322015.2); c.506G>T (NM_000535.5); short protein forms R66L, R34L, R169L, R63L.
Identifiers: ClinVar variation 1487155 (VCV001487155.9), dbSNP rs730881917, ClinGen allele CA366744218.